The following is an entry in ClinVar:

NM_000492.4(CFTR):c.3922G>T (p.Glu1308Ter)

Gene: CFTR (CF transmembrane conductance regulator; plus strand). Cytogenetic location: 7q31.2.
Variant type: single nucleotide variant.
Coding change: c.3922G>T on transcript NM_000492.4 (MANE Select); coding-DNA position 3922, G replaced by T.
Protein change: p.Glu1308Ter; replaces glutamic acid 1308 with a stop codon.
Molecular consequence: nonsense.
Genome position (GRCh38, 1-based): chr7:117,652,890, G>T. VCF-style: chr7-117652890-G-T. GRCh37 (hg19) VCF-style: chr7-117292944-G-T.
Other names: short protein forms E1308*.
Identifiers: ClinVar variation 53854 (VCV000053854.3), dbSNP rs397508643, ClinGen allele CA327349.
Genomic context (GRCh38, chr7:117,652,890, plus strand): 5'-TTTTTGCTATAGAAAGTATTTATTTTTTCTGGAACATTTAGAAAAAACTTGGATCCCTAT[G>T]AACAGTGGAGTGATCAAGAAATATGGAAAGTTGCAGATGAGGTAAGGCTGCTAACTGAAA-3'

ClinVar aggregate classification (germline): Pathogenic. Review status: criteria provided, single submitter (1 of 4 stars). 3 submissions from 3 submitters: Pathogenic (1). 2 of the submissions do not count toward it. Last evaluated 2026-06-30.

Conditions:
Cystic fibrosis (CF). Also called: MUCOVISCIDOSIS. Identifiers: Orphanet 586, MedGen C0010674, MONDO:0009061, OMIM 219700. Disease mechanism: loss of function.

Allele frequency attached by ClinVar (database versions not stated): gnomAD exomes below 0.00001; gnomAD 0.00001.
gnomAD v4.1: 2 of 1,605,994 alleles (0.00012%); highest among the groups gnomAD compares: Admixed American, 0.0017%; no homozygotes.

Submissions (3):

Servicio Canario de Salud, Hospital Universitario Nuestra Sra. de Candelaria
Classification: Pathogenic for Cystic fibrosis. Last evaluated: 2026-06-30. Review status: criteria provided, single submitter. Criteria: ACMG Guidelines, 2015. Collection method: clinical testing. Allele origin: maternal. Inheritance: Autosomal recessive inheritance. Affected: yes. Observed: 1 variant allele, 1 compound heterozygote.
Comment: It has been previously reported in one patient with cystic fibrosis in compound heterocigosity with c.1521_1523del p.(Phe508del)(CFTR2 database 2026). This variant is present in population databases (GnomAD v4.1.1. allele frequency 0.000001245). ClinVar contains an entry for this variant (VCV000053854.2). In summary, c.3922G>T p.(Glu1308Ter) variant meets our criteria to be classified as pathogenic for cystic fibrosis in an autosomal recessive manner based upon the clinical correlation in this patient`s phenotype.

Counsyl
Classification: Likely pathogenic for Cystic fibrosis. Last evaluated: 2017-04-12. Review status: no assertion criteria provided. Collection method: clinical testing. Allele origin: unknown. Not counted in ClinVar's aggregate classification.

ClinVar Staff, National Center for Biotechnology Information (NCBI)
No classification provided. Condition: CFTR-related disorders. Review status: no classification provided. Collection method: literature only. Allele origin: germline. Affected: yes. Not counted in ClinVar's aggregate classification.

Literature cited by the submitters: PubMed 27022295 (cited by Counsyl); PubMed 17331079 (cited by Counsyl); PubMed 19845690 (cited by ClinVar Staff, National Center for Biotechnology Information (NCBI)).